The following is an entry in ClinVar:

ClinVar aggregate classification (germline): Benign (1 of 4 stars; one submission).

Conditions:
Juvenile polyposis syndrome (JPS). Identifiers: Orphanet 2929, MedGen C0345893, MONDO:0017380, OMIM 174900.

Submission:

Myriad Genetics, Inc.
Classification: Benign for Juvenile polyposis syndrome. Last evaluated: 2024-07-31. Review status: criteria provided, single submitter. Criteria: Myriad Autosomal Dominant, Autosomal Recessive and X-Linked Classification Criteria (2023). Collection method: clinical testing. Allele origin: unknown.
Comment: This variant is considered benign. This variant is a silent/synonymous amino acid change and it is not expected to impact splicing.

NM_004329.3(BMPR1A):c.255C>A (p.Ile85=)

Gene: BMPR1A (bone morphogenetic protein receptor type 1A; plus strand). Cytogenetic location: 10q23.2.
Variant type: single nucleotide variant.
Coding change: c.255C>A on transcript NM_004329.3 (MANE Select); coding-DNA position 255, C replaced by A.
Protein change: p.Ile85=; no amino-acid change (isoleucine 85 retained).
Molecular consequence: synonymous variant. On other transcripts: non-coding transcript variant (3).
Genome position (GRCh38, 1-based): chr10:86,892,151, C>A. VCF-style: chr10-86892151-C-A. GRCh37 (hg19) VCF-style: chr10-88651908-C-A.
Other names: c.255C>A, p.Ile85= (NM_001406570.1, NM_001406571.1, NM_001406572.1 and 23 more transcripts); c.171C>A, p.Ile57= (NM_001406584.1, NM_001406585.1, NM_001406586.1 and 2 more transcripts).
Identifiers: ClinVar variation 3378571 (VCV003378571.1).